The following is an entry in ClinVar:

NM_002335.4(LRP5):c.1057C>T (p.Arg353Trp)

Gene: LRP5 (LDL receptor related protein 5; plus strand). Cytogenetic location: 11q13.2.
Variant type: single nucleotide variant.
Coding change: c.1057C>T on transcript NM_002335.4 (MANE Select); coding-DNA position 1057, C replaced by T.
Protein change: p.Arg353Trp; replaces arginine 353 with tryptophan.
Molecular consequence: missense variant. On other transcripts: 5 prime UTR variant (1).
Genome position (GRCh38, 1-based): chr11:68,386,357, C>T. VCF-style: chr11-68386357-C-T. GRCh37 (hg19) VCF-style: chr11-68153825-C-T.
Other names: c.-709C>T (NM_001291902.2); c.1057C>T (NM_002335.3); short protein forms R353W.
Identifiers: ClinVar variation 1933756 (VCV001933756.9), dbSNP rs371514699, ClinGen allele CA6149234.

ClinVar aggregate classification (germline): Conflicting classifications of pathogenicity. Review status: criteria provided, conflicting classifications (1 of 4 stars). 4 submissions from 4 submitters: Pathogenic (1); Likely pathogenic (1); Uncertain significance (2). Last evaluated 2026-07-14.

Conditions:
LRP5-related disorder. Also called: LRP5-related condition.
Polycystic liver disease 4 with or without kidney cysts. Identifiers: MedGen C4693479, MONDO:0044327, OMIM 617875.

Allele frequency attached by ClinVar (database versions not stated): gnomAD exomes 0.00001; ExAC 0.00002; ESP Exome Variant Server 0.00008.
gnomAD v4.1: 17 of 1,613,392 alleles (0.0011%); highest among the groups gnomAD compares: Non-Finnish European, 0.0014%; no homozygotes.

Submissions (4):

PreventionGenetics, part of Exact Sciences
Classification: Likely pathogenic for LRP5-related condition. Last evaluated: 2026-07-14. Review status: criteria provided, single submitter. Criteria: ACMG Guidelines, 2015. Collection method: clinical testing. Allele origin: germline.
Comment: The LRP5 c.1057C>T variant is predicted to result in the amino acid substitution p.Arg353Trp. This variant has been reported in the heterozygous state as well as with a second LRP5 variant in individuals with familial exudative vitreoretinopathy (FEVR) (Tao et al. 2021. PubMed ID: 34860240; Chen et al. 2022. PubMed ID: 36018796; Qu et al. 2022. PubMed ID: 35876299) and in an individual with membranous glomerulonephritis and diabetes (Huang et al. 2026. PubMed ID: 42141127). In addition, this variant has been reported in cis (on the same allele) with a second LRP5 variant in an individual with osteoporosis (Caetano da Silva et al. 2021. PubMed ID: 33939331). This variant is reported in 0.00088% of alleles in individuals of European (non-Finnish) descent in gnomAD. An alternate missense at the same amino acid position, p.Arg353Gln, has been reported in the homozygous and compound heterozygous state in individuals with LRP5-related disorders (Ai et al. 2005. PubMed ID: 16252235; Tang et al. 2017. PubMed ID: 29181528). This variant is interpreted as likely pathogenic.

Victorian Clinical Genetics Services, Murdoch Childrens Research Institute
Classification: Uncertain significance for Polycystic liver disease 4 with or without kidney cysts. Last evaluated: 2025-07-21. Review status: criteria provided, single submitter. Criteria: ACMG Guidelines, 2015. Collection method: clinical testing. Allele origin: germline. Affected: yes.
Comment: This variant is classified as VUS-3B. Evidence in support of pathogenic classification: Variant is present in gnomAD <0.01 (v4: 17 heterozygote(s), 0 homozygote(s)); This variant has moderate previous evidence of pathogenicity in unrelated individuals. This variant has been classified as pathogenic by one clinical laboratory in ClinVar. It has been reported in the literature in an individual with early onset osteoporosis and a history of fractures, it was seen in cis with p.(Arg178Gln) (PMID: 33939331). This variant was reported in two additional individuals with exudative vitreoretinopathy (PMID: 35876299, 34860240); Another missense variant(s) comparable to the one identified in this case has moderate previous evidence for pathogenicity. p.(Arg353Gln) has been classified as likely pathogenic/pathogenic by clinical laboratories in ClinVar. Additionally, it has been reported in the literature in a homozygous state in an individual with blindness and osteoporosis, and in an individual with exudative vitreoretinopathy seen with a splice variant without phase information (PMID: 16252235, 29181528); Missense variant predicted to be damaging by in silico tool(s) or highly conserved with a major amino acid change. Additional information: Variant is predicted to result in a missense amino acid change from Arg to Trp; This variant is heterozygous; This gene is associated with both recessive and dominant disease. Exudative vitreoretinopathy 4 (MIM#601813) can be both autosomal dominant or recessive and is considered to be part of the spectrum of autosomal recessive osteoporosis-pseudoglioma syndrome (MIM#259770). There is currently no clear genotype-phenotype correlation distinguishing these two conditions. Instead, the functional severity of the variant determines the phenotypic consequences (PMID: 31827910). Missense variants clustered within the first b-propeller extracellular domain are associated with autosomal dominant osteopetrosis (MIM#607634; PMID: 23744590). Additionally, polycystic liver disease 4 with or without kidney cysts (MIM#617875) is associated with autosomal dominant disease; Alternative amino acid change(s) at the same position are present in gnomAD (Highest allele count: v4: 7 heterozygote(s), 0 homozygote(s)); No published functional evidence has been identified for this variant; Variant is not located in an established domain, motif, hotspot or informative constraint region; Loss of function and gain of function are known mechanisms of disease in this gene and are associated with exudative vitreoretinopathy 4 (FEVR; MIM#601813) and osteoporosis-pseudoglioma syndrome (OPPG; MIM#259770); and autosomal dominant osteopetrosis (MIM#607634), respectively (PMID: 31827910, 23744590). The mechanism of disease for polycystic liver disease 4 with or without kidney cysts (MIM#617875) is uncertain; however, loss of function has been suggested (PMID: 24706814, 25920554); Variants in this gene are known to have variable expressivity. Intrafamilial variability has been reported for gain of function variants (PMID: 23744590) and FEVR (PMID: 25323851). Patients may appear asymptomatic for osteoporosis (PMID: 15824851); Inheritance information for this variant is not currently available in this individual.

Labcorp Genetics (formerly Invitae), Labcorp
Classification: Pathogenic. Last evaluated: 2025-07-02. Review status: criteria provided, single submitter. Criteria: Invitae Variant Classification Sherloc (09022015). Collection method: clinical testing. Allele origin: germline.
Comment: This sequence change replaces arginine, which is basic and polar, with tryptophan, which is neutral and slightly polar, at codon 353 of the LRP5 protein (p.Arg353Trp). This variant is present in population databases (rs371514699, gnomAD 0.003%). This missense change has been observed in individual(s) with early-onset osteoporosis and/or familial exudative vitreoretinopathy (PMID: 33939331, 34860240; internal data). In at least one individual the data is consistent with being in trans (on the opposite chromosome) from a pathogenic variant. ClinVar contains an entry for this variant (Variation ID: 1933756). Invitae Evidence Modeling of protein sequence and biophysical properties (such as structural, functional, and spatial information, amino acid conservation, physicochemical variation, residue mobility, and thermodynamic stability) indicates that this missense variant is expected to disrupt LRP5 protein function with a positive predictive value of 95%. This variant disrupts the p.Arg353 amino acid residue in LRP5. Other variant(s) that disrupt this residue have been observed in individuals with LRP5-related conditions (PMID: 16252235, 29181528), which suggests that this may be a clinically significant amino acid residue. For these reasons, this variant has been classified as Pathogenic.

Blueprint Genetics
Classification: Uncertain significance. Last evaluated: 2021-04-15. Review status: criteria provided, single submitter. Criteria: ACMG Guidelines, 2015. Collection method: clinical testing. Allele origin: germline.

Literature cited by the submitters: PubMed 33939331 (cited by Victorian Clinical Genetics Services, Murdoch Childrens Research Institute and Labcorp Genetics (formerly Invitae), Labcorp); PubMed 24706814 (cited by Victorian Clinical Genetics Services, Murdoch Childrens Research Institute); PubMed 25920554 (cited by Victorian Clinical Genetics Services, Murdoch Childrens Research Institute); PubMed 23744590 (cited by Victorian Clinical Genetics Services, Murdoch Childrens Research Institute); PubMed 35876299 (cited by Victorian Clinical Genetics Services, Murdoch Childrens Research Institute); PubMed 29181528 (cited by Victorian Clinical Genetics Services, Murdoch Childrens Research Institute and Labcorp Genetics (formerly Invitae), Labcorp); PubMed 16252235 (cited by Victorian Clinical Genetics Services, Murdoch Childrens Research Institute and Labcorp Genetics (formerly Invitae), Labcorp); PubMed 25323851 (cited by Victorian Clinical Genetics Services, Murdoch Childrens Research Institute); PubMed 34860240 (cited by Victorian Clinical Genetics Services, Murdoch Childrens Research Institute and Labcorp Genetics (formerly Invitae), Labcorp); PubMed 15824851 (cited by Victorian Clinical Genetics Services, Murdoch Childrens Research Institute); PubMed 31827910 (cited by Victorian Clinical Genetics Services, Murdoch Childrens Research Institute).